The following is an entry in ClinVar:

ClinVar aggregate classification (germline): Uncertain significance (1 of 4 stars; one submission).

Conditions:
HSPG2-related disorder. Also called: HSPG2-related disorders; HSPG2-related condition.

gnomAD v4.1: 3 of 1,614,006 alleles (0.00019%); highest among the groups gnomAD compares: African/African-American, 0.004%; no homozygotes.

Submission:

PreventionGenetics, part of Exact Sciences
Classification: Uncertain significance for HSPG2-related condition. Last evaluated: 2025-05-05. Review status: criteria provided, single submitter. Criteria: ACMG Guidelines, 2015. Collection method: clinical testing. Allele origin: germline.
Comment: The HSPG2 c.5546A>G variant is predicted to result in the amino acid substitution p.Asp1849Gly. To our knowledge, this variant has not been reported in the literature or in a large population database (gnomAD), indicating this variant is rare. At this time, the clinical significance of this variant is uncertain due to the absence of conclusive functional and genetic evidence.

NM_005529.7(HSPG2):c.5546A>G (p.Asp1849Gly)

Gene: HSPG2 (heparan sulfate proteoglycan 2; minus strand). Cytogenetic location: 1p36.12.
Variant type: single nucleotide variant.
Coding change: c.5546A>G on transcript NM_005529.7 (MANE Select); coding-DNA position 5546, A replaced by G.
Protein change: p.Asp1849Gly; replaces aspartic acid 1849 with glycine.
Molecular consequence: missense variant.
Genome position (GRCh38, 1-based): chr1:21,857,044, T>C on the plus strand (A>G on the coding strand, the complement: HSPG2 is on the minus strand). VCF-style: chr1-21857044-T-C. GRCh37 (hg19) VCF-style: chr1-22183537-T-C.
Other names: c.5549A>G, p.Asp1850Gly (NM_001291860.2); short protein forms D1849G, D1850G.
Identifiers: ClinVar variation 4982839 (VCV004982839.1).